The following is an entry in ClinVar:

ClinVar aggregate classification (germline): Conflicting classifications of pathogenicity. Review status: criteria provided, conflicting classifications (1 of 4 stars). 4 submissions from 4 submitters: Pathogenic (1); Likely pathogenic (2); Uncertain significance (1). Last evaluated 2025-09-25.

Conditions:
ELP1-Associated Medulloblastoma. Identifiers: MedGen C5670652.
Familial dysautonomia. Also called: HSAN III; FD. Identifiers: Orphanet 1764, MedGen C0013364, MONDO:0009131, OMIM 223900. Disease mechanism: loss of function.

Allele frequency attached by ClinVar (database versions not stated): ExAC 0.00001; gnomAD 0.00001; TOPMed 0.00001; gnomAD exomes 0.00002.
gnomAD v4.1: 13 of 1,613,938 alleles (0.00081%); highest among the groups gnomAD compares: Admixed American, 0.0017%; no homozygotes.

Submissions (4):

Natera, Inc.
Classification: Likely pathogenic for Familial dysautonomia. Last evaluated: 2025-09-25. Review status: criteria provided, single submitter. Criteria: Natera Variant Classification Schema (03/2026). Collection method: clinical testing. Allele origin: germline.
Comment: The c.3424C>T variant in ELP1 is a nonsense variant predicted to introduce a stop codon at amino acid 1142. This variant is expected to result in nonsense mediated decay, truncation, or a dysfunctional protein product. This variant is rare in the general population with a frequency below the threshold expected for the associated phenotype(s). Given the available evidence, this variant is classified as Likely Pathogenic.

Institute for Genomic Medicine (IGM) Clinical Laboratory, Nationwide Children's Hospital
Classification: Likely pathogenic for ELP1-Associated Medulloblastoma. Last evaluated: 2023-02-22. Review status: criteria provided, single submitter. Criteria: ACMG Guidelines, 2015. Collection method: clinical testing. Allele origin: germline.
Comment: This variant is predicted to result in loss of function through nonsense-mediated decay of the encoded transcript or premature truncation of the encoded protein in a gene in which loss of function is a known mechanism of disease (ACMG/AMP: PVS1; PMID:32296180). This variant is absent from or present at an exceedingly low frequency in gnomAD, a large-scale control population database (ACMG/AMP: PM2).

Labcorp Genetics (formerly Invitae), Labcorp
Classification: Pathogenic. Last evaluated: 2022-11-03. Review status: criteria provided, single submitter. Criteria: Invitae Variant Classification Sherloc (09022015). Collection method: clinical testing. Allele origin: germline.
Comment: ClinVar contains an entry for this variant (Variation ID: 1074489). This variant has not been reported in the literature in individuals affected with ELP1-related conditions. This variant is present in population databases (rs768015419, gnomAD 0.01%). This sequence change creates a premature translational stop signal (p.Arg1142*) in the ELP1 gene. It is expected to result in an absent or disrupted protein product. Loss-of-function variants in ELP1 are known to be pathogenic (PMID: 18303054, 24173031). For these reasons, this variant has been classified as Pathogenic.

Blueprint Genetics
Classification: Uncertain significance. Last evaluated: 2020-01-10. Review status: criteria provided, single submitter. Criteria: ACMG Guidelines, 2015. Collection method: clinical testing. Allele origin: germline.

Literature cited by the submitters: PubMed 32296180 (cited by Institute for Genomic Medicine (IGM) Clinical Laboratory, Nationwide Children's Hospital); PubMed 18303054 (cited by Labcorp Genetics (formerly Invitae), Labcorp); PubMed 24173031 (cited by Labcorp Genetics (formerly Invitae), Labcorp).

NM_003640.5(ELP1):c.3424C>T (p.Arg1142Ter)

Gene: ELP1 (elongator acetyltransferase complex subunit 1; minus strand). Cytogenetic location: 9q31.3.
Variant type: single nucleotide variant.
Coding change: c.3424C>T on transcript NM_003640.5 (MANE Select); coding-DNA position 3424, C replaced by T.
Protein change: p.Arg1142Ter; replaces arginine 1142 with a stop codon.
Molecular consequence: nonsense.
Genome position (GRCh38, 1-based): chr9:108,880,088, G>A on the plus strand (C>T on the coding strand, the complement: ELP1 is on the minus strand). VCF-style: chr9-108880088-G-A. GRCh37 (hg19) VCF-style: chr9-111642368-G-A.
Other names: c.3424C>T (NM_003640.4); c.3082C>T, p.Arg1028Ter (NM_001318360.2); c.2377C>T, p.Arg793Ter (NM_001330749.2); short protein forms R1028*, R1142*, R793*.
Identifiers: ClinVar variation 1074489 (VCV001074489.9), dbSNP rs768015419, ClinGen allele CA5174313.
Genomic context (GRCh38, chr9:108,880,088, plus strand): 5'-GATGGCCTTCACGCAGATACTCACCCAGACCTGCCTGCTGGGCTTGCTCCTTGAGCTCTC[G>A]AACTACCAATAAACGTTTCTTGTGGCGACTGAATGTGGCTGTCTGAGAGTCCAGAAATGC-3'